The following is an entry in ClinVar:

ClinVar aggregate classification (germline): Conflicting classifications of pathogenicity. Review status: criteria provided, conflicting classifications (1 of 4 stars). 4 submissions from 4 submitters: Uncertain significance (3); Likely benign (1). Last evaluated 2025-06-07.

Conditions:
Inborn genetic diseases. Identifiers: MedGen C0950123, MeSH D030342.
Neonatal-onset encephalopathy with rigidity and seizures. Also called: Lethal neonatal spasticity-epileptic encephalopathy syndrome. Identifiers: Orphanet 435845, MedGen C3281029, MONDO:0013784, OMIM 614498.

Allele frequency attached by ClinVar (database versions not stated): gnomAD 0.00001; gnomAD exomes 0.00001; TOPMed 0.00002.

Submissions (4):

Ambry Genetics
Classification: Likely benign for Inborn genetic diseases. Last evaluated: 2025-06-07. Review status: criteria provided, single submitter. Criteria: Ambry Variant Classification Scheme 2023. Collection method: clinical testing. Allele origin: germline.

Labcorp Genetics (formerly Invitae), Labcorp
Classification: Uncertain significance for Neonatal-onset encephalopathy with rigidity and seizures. Last evaluated: 2024-02-05. Review status: criteria provided, single submitter. Criteria: Invitae Variant Classification Sherloc (09022015). Collection method: clinical testing. Allele origin: germline.
Comment: This sequence change replaces proline, which is neutral and non-polar, with serine, which is neutral and polar, at codon 134 of the BRAT1 protein (p.Pro134Ser). This variant is not present in population databases (gnomAD no frequency). This variant has not been reported in the literature in individuals affected with BRAT1-related conditions. ClinVar contains an entry for this variant (Variation ID: 578682). Advanced modeling of protein sequence and biophysical properties (such as structural, functional, and spatial information, amino acid conservation, physicochemical variation, residue mobility, and thermodynamic stability) performed at Invitae indicates that this missense variant is not expected to disrupt BRAT1 protein function with a negative predictive value of 80%. In summary, the available evidence is currently insufficient to determine the role of this variant in disease. Therefore, it has been classified as a Variant of Uncertain Significance.

GeneDx
Classification: Uncertain significance. Last evaluated: 2019-12-30. Review status: criteria provided, single submitter. Criteria: GeneDx Variant Classification Process June 2021. Collection method: clinical testing. Allele origin: germline. Affected: yes.
Comment: In silico analysis, which includes protein predictors and evolutionary conservation, supports that this variant does not alter protein structure/function; Has not been previously published as pathogenic or benign to our knowledge

Blueprint Genetics
Classification: Uncertain significance. Last evaluated: 2018-11-07. Review status: criteria provided, single submitter. Criteria: ACMG Guidelines, 2015. Collection method: clinical testing. Allele origin: germline.

NM_152743.4(BRAT1):c.400C>T (p.Pro134Ser)

Gene: BRAT1 (BRCA1 associated ATM activator 1; minus strand). Cytogenetic location: 7p22.3.
Variant type: single nucleotide variant.
Coding change: c.400C>T on transcript NM_152743.4 (MANE Select); coding-DNA position 400, C replaced by T.
Protein change: p.Pro134Ser; replaces proline 134 with serine.
Molecular consequence: missense variant. On other transcripts: non-coding transcript variant (1), intron variant (1).
Genome position (GRCh38, 1-based): chr7:2,544,939, G>A on the plus strand (C>T on the coding strand, the complement: BRAT1 is on the minus strand). VCF-style: chr7-2544939-G-A. GRCh37 (hg19) VCF-style: chr7-2584573-G-A.
Other names: c.400C>T, p.Pro134Ser (NM_001350626.2); c.-95-977C>T (NM_001350627.2); short protein forms P134S.
Identifiers: ClinVar variation 578682 (VCV000578682.15), dbSNP rs1250652407, ClinGen allele CA366632810.
Genomic context (GRCh38, chr7:2,544,939, plus strand): 5'-AGGAATGGGGTGGGGTGTGGGCGCACTCACCATGGTCGGCCAGGAAGCGCAGGGCGCTGG[G>A]GTGCTGTGCCAGGGAGCGCAGGCCCTGGATCCAGCCGCTGCGCACGGTGGGGACGGCCCA-3'
Protein context (NP_689956.2, residues 124-144): IQGLRSLAQH[Pro134Ser]SALRFLADHG